The following is an entry in ClinVar:

NM_000137.4(FAH):c.1213_1214delinsCA (p.Phe405His)

Gene: FAH (fumarylacetoacetate hydrolase; plus strand). Cytogenetic location: 15q25.1.
Variant type: Indel.
Coding change: c.1213_1214delinsCA on transcript NM_000137.4 (MANE Select); coding-DNA positions 1213 to 1214, TT replaced by CA.
Protein change: p.Phe405His; replaces phenylalanine 405 with histidine.
Molecular consequence: missense variant.
Genome position (GRCh38, 1-based): chr15:80,186,162-80,186,163, TT replaced by CA. VCF-style: chr15-80186162-TT-CA. GRCh37 (hg19) VCF-style: chr15-80478504-TT-CA.
Other names: c.1213_1214delinsCA, p.Phe405His (NM_001374377.1, NM_001374380.1); c.1213_1214delTTinsCA (NM_000137.2); short protein forms F405H.
Identifiers: ClinVar variation 595201 (VCV000595201.10), dbSNP rs1567123622, ClinGen allele CA913190685.
Genomic context (GRCh38, chr15:80,186,162, plus strand): 5'-GACTGATCCTTGTCCTCCTCTGTTCCAGGGTACTGCCAGGGGGATGGTTACCGCATCGGC[TT>CA]TGGCCAGTGTGCTGGAAAAGTGCTGCCTGCTCTCCTGCCATCATGAGATTTTCTCTGCTC-3'
Protein context (NP_000128.1, residues 395-415): YCQGDGYRIG[Phe405His]GQCAGKVLPA

ClinVar aggregate classification (germline): Conflicting classifications of pathogenicity. Review status: criteria provided, conflicting classifications (1 of 4 stars). 3 submissions from 3 submitters: Likely pathogenic (1); Uncertain significance (2). Last evaluated 2025-10-16.

Conditions:
Tyrosinemia type I (TYRSN1). Also called: FAH DEFICIENCY; Tyrosinemia type 1; Fumarylacetoacetase deficiency; Deficiency of fumarylacetoacetase; HEPATORENAL TYROSINEMIA. Identifiers: Orphanet 882, MedGen C0268490, MONDO:0010161, OMIM 276700. Disease mechanism: loss of function.

Submissions (3):

Natera, Inc.
Classification: Likely pathogenic for Tyrosinemia type I. Last evaluated: 2025-10-16. Review status: criteria provided, single submitter. Criteria: Natera Variant Classification Schema (03/2026). Collection method: clinical testing. Allele origin: germline.
Comment: The c.1213_1214delTTinsCA variant in FAH is a deletion-insertion (delins) variant predicted to replace one or more nucleotides with a different sequence. This variant is rare in the general population with a frequency below the threshold expected for the associated phenotype(s). This variant has been observed in one or more individuals affected with the associated recessive disease, as either homozygous or compound heterozygous with a second variant (PMID: 31568711). This variant has been identified in one or more affected individual with a phenotype highly consistent with the associated gene (PMID: 31568711). Computational prediction algorithms indicate this variant is likely to affect gene or protein function. Given the available evidence, this variant is classified as Likely Pathogenic.

Labcorp Genetics (formerly Invitae), Labcorp
Classification: Uncertain significance for Tyrosinemia type I. Last evaluated: 2021-12-24. Review status: criteria provided, single submitter. Criteria: Invitae Variant Classification Sherloc (09022015). Collection method: clinical testing. Allele origin: germline.
Comment: This sequence change replaces phenylalanine, which is neutral and non-polar, with histidine, which is basic and polar, at codon 405 of the FAH protein (p.Phe405His). Information on the frequency of this variant in the gnomAD database is not available, as this variant may be reported differently in the database. This missense change has been observed in individual(s) with tyrosinemia type 1 (PMID: 9633815, 31568711). This variant is also known as TT1269CA. ClinVar contains an entry for this variant (Variation ID: 595201). Algorithms developed to predict the effect of missense changes on protein structure and function are either unavailable or do not agree on the potential impact of this missense change (SIFT: "Not Available"; PolyPhen-2: "Probably Damaging"; Align-GVGD: "Not Available"). In summary, the available evidence is currently insufficient to determine the role of this variant in disease. Therefore, it has been classified as a Variant of Uncertain Significance.

Eurofins Ntd Llc (ga)
Classification: Uncertain significance. Last evaluated: 2018-08-28. Review status: criteria provided, single submitter. Criteria: EGL ClinVar v180209 classification definitions. Collection method: clinical testing. Allele origin: germline. Observed: 1 variant allele, 1 heterozygote.

Literature cited by the submitters: PubMed 31568711 (cited by Natera, Inc. and Labcorp Genetics (formerly Invitae), Labcorp); PubMed 9633815 (cited by Labcorp Genetics (formerly Invitae), Labcorp).